The following is an entry in ClinVar:

NM_000454.5(SOD1):c.362A>T (p.His121Leu)

Gene: SOD1 (superoxide dismutase 1; plus strand). Cytogenetic location: 21q22.11.
Variant type: single nucleotide variant.
Coding change: c.362A>T on transcript NM_000454.5 (MANE Select); coding-DNA position 362, A replaced by T.
Protein change: p.His121Leu; replaces histidine 121 with leucine.
Molecular consequence: missense variant.
Genome position (GRCh38, 1-based): chr21:31,668,475, A>T. VCF-style: chr21-31668475-A-T. GRCh37 (hg19) VCF-style: chr21-33040788-A-T.
Other names: p.His121Leu; short protein forms H121L.
Identifiers: ClinVar variation 1693766 (VCV001693766.5), dbSNP rs1410925719, ClinGen allele CA410037631.

ClinVar aggregate classification (germline): Conflicting classifications of pathogenicity. Review status: criteria provided, conflicting classifications (1 of 4 stars). 2 submissions from 2 submitters: Likely pathogenic (1); Uncertain significance (1). Last evaluated 2025-11-04.

Conditions:
Amyotrophic lateral sclerosis type 1 (ALS1). Also called: AMYOTROPHIC LATERAL SCLEROSIS 1, FAMILIAL. Identifiers: Orphanet 803, MedGen C1862939, MONDO:0007103, OMIM 105400.

Submissions (2):

Labcorp Genetics (formerly Invitae), Labcorp
Classification: Likely pathogenic for Amyotrophic lateral sclerosis type 1. Last evaluated: 2025-11-04. Review status: criteria provided, single submitter. Criteria: Invitae Variant Classification Sherloc (09022015). Collection method: clinical testing. Allele origin: germline.
Comment: This sequence change replaces histidine, which is basic and polar, with leucine, which is neutral and non-polar, at codon 121 of the SOD1 protein (p.His121Leu). This variant is not present in population databases (gnomAD no frequency). This missense change has been observed in individual(s) with amyotrophic lateral sclerosis (PMID: 22292843). ClinVar contains an entry for this variant (Variation ID: 1693766). Invitae Evidence Modeling of protein sequence and biophysical properties (such as structural, functional, and spatial information, amino acid conservation, physicochemical variation, residue mobility, and thermodynamic stability) indicates that this missense variant is expected to disrupt SOD1 protein function with a positive predictive value of 95%. This variant disrupts the p.His121 amino acid residue in SOD1. Other variant(s) that disrupt this residue have been determined to be pathogenic (PMID: 30887850, 34544842, 35193472). This suggests that this residue is clinically significant, and that variants that disrupt this residue are likely to be disease-causing. In summary, the currently available evidence indicates that the variant is pathogenic, but additional data are needed to prove that conclusively. Therefore, this variant has been classified as Likely Pathogenic.

Mayo Clinic Laboratories, Mayo Clinic
Classification: Uncertain significance. Last evaluated: 2021-12-30. Review status: criteria provided, single submitter. Criteria: ACMG Guidelines, 2015. Collection method: clinical testing. Allele origin: germline.

Literature cited by the submitters: PubMed 22292843 (cited by Labcorp Genetics (formerly Invitae), Labcorp); PubMed 30887850 (cited by Labcorp Genetics (formerly Invitae), Labcorp); PubMed 34544842 (cited by Labcorp Genetics (formerly Invitae), Labcorp); PubMed 35193472 (cited by Labcorp Genetics (formerly Invitae), Labcorp).